The following is an entry in ClinVar:

ClinVar aggregate classification (germline): Uncertain significance. Review status: criteria provided, single submitter (1 of 4 stars). 2 submissions from 2 submitters: Uncertain significance (1). 1 of the submissions does not count toward it. Last evaluated 2024-11-04.

Conditions:
Cardiovascular phenotype. Identifiers: MedGen CN230736.
High myopia. Also called: Severe Myopia. Identifiers: MedGen C0271183, HP:0011003.

Allele frequency attached by ClinVar (database versions not stated): TOPMed 0.00002; gnomAD 0.00006.
gnomAD v4.1: 35 of 1,613,148 alleles (0.0022%); highest among the groups gnomAD compares: East Asian, 0.027%; no homozygotes.

Submissions (2):

Ambry Genetics
Classification: Uncertain significance for Cardiovascular phenotype. Last evaluated: 2024-11-04. Review status: criteria provided, single submitter. Criteria: Ambry Variant Classification Scheme 2023. Collection method: clinical testing. Allele origin: germline.
Comment: The p.R1925W variant (also known as c.5773C>T), located in coding exon 42 of the ABCA1 gene, results from a C to T substitution at nucleotide position 5773. The arginine at codon 1925 is replaced by tryptophan, an amino acid with dissimilar properties. This amino acid position is not well conserved in available vertebrate species. In addition, the in silico prediction for this alteration is inconclusive. Based on the available evidence, the clinical significance of this variant remains unclear.

Institute of Human Genetics, Polish Academy of Sciences
Classification: Uncertain significance for Severe Myopia. Last evaluated: 2018-12-17. Review status: no assertion criteria provided. Collection method: research. Allele origin: unknown. Affected: yes. Not counted in ClinVar's aggregate classification.

NM_005502.4(ABCA1):c.5773C>T (p.Arg1925Trp)

Gene: ABCA1 (ATP binding cassette subfamily A member 1; minus strand). Cytogenetic location: 9q31.1.
Variant type: single nucleotide variant.
Coding change: c.5773C>T on transcript NM_005502.4 (MANE Select); coding-DNA position 5773, C replaced by T.
Protein change: p.Arg1925Trp; replaces arginine 1925 with tryptophan.
Molecular consequence: missense variant.
Genome position (GRCh38, 1-based): chr9:104,791,983, G>A on the plus strand (C>T on the coding strand, the complement: ABCA1 is on the minus strand). VCF-style: chr9-104791983-G-A. GRCh37 (hg19) VCF-style: chr9-107554264-G-A.
Other names: short protein forms R1925W.
Identifiers: ClinVar variation 623425 (VCV000623425.3), dbSNP rs568280586, ClinGen allele CA5167728.